The following is an entry in ClinVar:

NM_001563.4(IMPG1):c.1434del (p.Leu479fs)

Gene: IMPG1 (interphotoreceptor matrix proteoglycan 1; minus strand). Cytogenetic location: 6q14.1.
Variant type: Deletion.
Coding change: c.1434del on transcript NM_001563.4 (MANE Select); coding-DNA position 1434, one base deleted (G; older notation c.1434delG).
Protein change: p.Leu479fs; shifts the reading frame from leucine 479.
Molecular consequence: frameshift variant.
Genome position (GRCh38, 1-based): chr6:75,950,952, C deleted on the plus strand (G on the coding strand, the reverse complement: IMPG1 is on the minus strand); the first of 3 consecutive C bases (chr6:75,950,952-75,950,954); deleting any one gives the same sequence. VCF-style (leftmost placement, unchanged base first): chr6-75950951-GC-G. GRCh37 (hg19) VCF-style: chr6-76660668-GC-G.
Other names: c.1200del, p.Leu401fs (NM_001282368.2); short protein forms L401fs, L479fs.
Identifiers: ClinVar variation 1018733 (VCV001018733.6), dbSNP rs1782020453, ClinGen allele CA2497157696.

ClinVar aggregate classification (germline): Pathogenic (1 of 4 stars; one submission).

Submission:

Labcorp Genetics (formerly Invitae), Labcorp
Classification: Pathogenic. Last evaluated: 2023-07-21. Review status: criteria provided, single submitter. Criteria: Invitae Variant Classification Sherloc (09022015). Collection method: clinical testing. Allele origin: germline.
Comment: This sequence change creates a premature translational stop signal (p.Leu479Serfs*41) in the IMPG1 gene. It is expected to result in an absent or disrupted protein product. Loss-of-function variants in IMPG1 are known to be pathogenic (PMID: 23993198). This variant is not present in population databases (gnomAD no frequency). This variant has not been reported in the literature in individuals affected with IMPG1-related conditions. ClinVar contains an entry for this variant (Variation ID: 1018733). For these reasons, this variant has been classified as Pathogenic.

Literature cited by the submitters: PubMed 23993198.